The following is an entry in ClinVar:

NM_001012614.2(CTBP1):c.62T>C (p.Leu21Ser)

Gene: CTBP1 (C-terminal binding protein 1; minus strand). Cytogenetic location: 4p16.3.
Variant type: single nucleotide variant.
Coding change: c.62T>C on transcript NM_001012614.2 (MANE Select); coding-DNA position 62, T replaced by C.
Protein change: p.Leu21Ser; replaces leucine 21 with serine.
Molecular consequence: missense variant.
Genome position (GRCh38, 1-based): chr4:1,238,283, A>G on the plus strand (T>C on the coding strand, the complement: CTBP1 is on the minus strand). VCF-style: chr4-1238283-A-G. GRCh37 (hg19) VCF-style: chr4-1232071-A-G.
Other names: c.95T>C, p.Leu32Ser (NM_001328.3, NM_001377186.1); c.62T>C, p.Leu21Ser (NM_001377187.1, NM_001377188.1, NM_001377189.1 and 4 more transcripts); short protein forms L21S, L32S.
Identifiers: ClinVar variation 3367324 (VCV003367324.1).
Genomic context (GRCh38, chr4:1,238,283, plus strand): 5'-GCCACAGTGGCCACGTCCTTCAGGATGGGCATCTCCACTGTGCAGTCCCGGCCATCCAGC[A>G]ATGCCACCAGGGGCCGCGGGTGCAGGGGCCCGTTCATGATCGGAGGTCGGACGCCTGCAA-3'
Protein context (NP_001012632.1, residues 11-31): GPLHPRPLVA[Leu21Ser]LDGRDCTVEM

ClinVar aggregate classification (germline): Uncertain significance (1 of 4 stars; one submission).

Submission:

GeneDx
Classification: Uncertain significance. Last evaluated: 2023-12-27. Review status: criteria provided, single submitter. Criteria: GeneDx Variant Classification Process June 2021. Collection method: clinical testing. Allele origin: germline. Affected: yes.
Comment: Not observed at significant frequency in large population cohorts (gnomAD); In silico analysis supports that this missense variant has a deleterious effect on protein structure/function; Has not been previously published as pathogenic or benign to our knowledge